The following is an entry in ClinVar:

ClinVar aggregate classification (germline): Conflicting classifications of pathogenicity. Review status: criteria provided, conflicting classifications (1 of 4 stars). 4 submissions from 3 submitters: Uncertain significance (1); Likely benign (3). Last evaluated 2024-11-08.

Conditions:
Familial hemiplegic migraine. Identifiers: MedGen C0338484, MONDO:0000700.
Migraine, familial hemiplegic, 2. Identifiers: Orphanet 569, MedGen C1865322, MONDO:0011232, OMIM 602481.
Alternating hemiplegia of childhood 1 (AHC1). Identifiers: Orphanet 2131, MedGen C3549447, MONDO:0007087, OMIM 104290.

Allele frequency attached by ClinVar (database versions not stated): gnomAD 0.00001; ExAC 0.00002; gnomAD exomes 0.00002; TOPMed 0.00002.
gnomAD v4.1: 32 of 1,614,036 alleles (0.002%); highest among the groups gnomAD compares: Non-Finnish European, 0.0025%; no homozygotes.

Submissions (4):

Blueprint Genetics
Classification: Likely benign. Last evaluated: 2024-11-08. Review status: criteria provided, single submitter. Criteria: ACMG Guidelines, 2015. Collection method: clinical testing. Allele origin: germline.

Labcorp Genetics (formerly Invitae), Labcorp
Classification: Likely benign for Familial hemiplegic migraine. Last evaluated: 2024-02-22. Review status: criteria provided, single submitter. Criteria: Invitae Variant Classification Sherloc (09022015). Collection method: clinical testing. Allele origin: germline.

Illumina Laboratory Services, Illumina
Classification: Uncertain significance for Migraine, familial hemiplegic, 2. Last evaluated: 2018-01-13. Review status: criteria provided, single submitter. Criteria: ICSL Variant Classification Criteria 13 December 2019. Collection method: clinical testing. Allele origin: germline.

Illumina Laboratory Services, Illumina
Classification: Likely benign for Alternating hemiplegia of childhood 1. Last evaluated: 2018-01-13. Review status: criteria provided, single submitter. Criteria: ICSL Variant Classification Criteria 13 December 2019. Collection method: clinical testing. Allele origin: germline.
Comment: This variant was observed in the ICSL laboratory as part of a predisposition screen in an ostensibly healthy population. It had not been previously curated by ICSL or reported in the Human Gene Mutation Database (HGMD: prior to June 1st, 2018), and was therefore a candidate for classification through an automated scoring system. Utilizing variant allele frequency, disease prevalence and penetrance estimates, and inheritance mode, an automated score was calculated to assess if this variant is too frequent to cause the disease. Based on the score and internal cut-off values, a variant classified as likely benign is not then subjected to further curation. The score for this variant resulted in a classification of likely benign for this disease.

NM_000702.4(ATP1A2):c.2115+8C>T

Gene: ATP1A2 (ATPase Na+/K+ transporting subunit alpha 2; plus strand). Cytogenetic location: 1q23.2.
Variant type: single nucleotide variant.
Coding change: c.2115+8C>T on transcript NM_000702.4 (MANE Select); 8 bases into the intron after coding-DNA position 2115, C replaced by T.
Molecular consequence: intron variant.
Genome position (GRCh38, 1-based): chr1:160,135,303, C>T. VCF-style: chr1-160135303-C-T. GRCh37 (hg19) VCF-style: chr1-160105093-C-T.
Identifiers: ClinVar variation 874765 (VCV000874765.13), dbSNP rs768746868, ClinGen allele CA1194658.
Genomic context (GRCh38, chr1:160,135,303, plus strand): 5'-CTCGAACGTCTCCCCAGCAGAAGCTCATCATTGTGGAGGGATGTCAGAGGCAGGTGAGCA[C>T]AGCCACGGGAGGCAGATGACAGGCAGGGACCGGGGAGGCAGGGACAGGGCCAAGACAAGC-3'